The following is an entry in ClinVar:

ClinVar aggregate classification (germline): Uncertain significance (1 of 4 stars; one submission).

Conditions:
Inborn genetic diseases. Identifiers: MedGen C0950123, MeSH D030342.

Allele frequency attached by ClinVar (database versions not stated): gnomAD exomes below 0.00001.

Submission:

Ambry Genetics
Classification: Uncertain significance for Inborn genetic diseases. Last evaluated: 2022-04-05. Review status: criteria provided, single submitter. Criteria: Ambry Variant Classification Scheme 2023. Collection method: clinical testing. Allele origin: germline.
Comment: The p.T471S variant (also known as c.1411A>T), located in coding exon 11 of the BUB1B gene, results from an A to T substitution at nucleotide position 1411. The threonine at codon 471 is replaced by serine, an amino acid with similar properties. This amino acid position is conserved. In addition, this alteration is predicted to be tolerated by in silico analysis. Since supporting evidence is limited at this time, the clinical significance of this alteration remains unclear.

NM_001211.6(BUB1B):c.1411A>T (p.Thr471Ser)

Gene: BUB1B (BUB1 mitotic checkpoint serine/threonine kinase B; plus strand). Cytogenetic location: 15q15.1.
Variant type: single nucleotide variant.
Coding change: c.1411A>T on transcript NM_001211.6 (MANE Select); coding-DNA position 1411, A replaced by T.
Protein change: p.Thr471Ser; replaces threonine 471 with serine.
Molecular consequence: missense variant.
Genome position (GRCh38, 1-based): chr15:40,200,253, A>T. VCF-style: chr15-40200253-A-T. GRCh37 (hg19) VCF-style: chr15-40492454-A-T.
Other names: short protein forms T471S.
Identifiers: ClinVar variation 1772043 (VCV001772043.2), dbSNP rs2542555941, ClinGen allele CA391689594.